The following is an entry in ClinVar:

NM_001352754.2(ARMC9):c.1607G>A (p.Arg536His)

Gene: ARMC9 (armadillo repeat containing 9; plus strand). Cytogenetic location: 2q37.1.
Variant type: single nucleotide variant.
Coding change: c.1607G>A on transcript NM_001352754.2 (MANE Select); coding-DNA position 1607, G replaced by A.
Protein change: p.Arg536His; replaces arginine 536 with histidine.
Molecular consequence: missense variant. On other transcripts: non-coding transcript variant (1).
Genome position (GRCh38, 1-based): chr2:231,282,114, G>A. VCF-style: chr2-231282114-G-A. GRCh37 (hg19) VCF-style: chr2-232146827-G-A.
Other names: c.1607G>A, p.Arg536His (NM_001271466.4, NM_001291656.2, NM_001352755.2 and 3 more transcripts); c.1508G>A, p.Arg503His (NM_001352757.2, NM_001352758.2); short protein forms R536H, R503H.
Identifiers: ClinVar variation 1369348 (VCV001369348.6), dbSNP rs747666182, ClinGen allele CA2160401.

ClinVar aggregate classification (germline): Uncertain significance (1 of 4 stars; one submission).

Allele frequency attached by ClinVar (database versions not stated): ExAC 0.00002; gnomAD 0.00002; gnomAD exomes 0.00002; TOPMed 0.00002.
gnomAD v4.1: 11 of 1,613,984 alleles (0.00068%); highest among the groups gnomAD compares: Admixed American, 0.005%; 1 homozygote.

Submission:

Labcorp Genetics (formerly Invitae), Labcorp
Classification: Uncertain significance. Last evaluated: 2021-02-15. Review status: criteria provided, single submitter. Criteria: Invitae Variant Classification Sherloc (09022015). Collection method: clinical testing. Allele origin: germline.
Comment: Experimental studies and prediction algorithms are not available or were not evaluated, and the functional significance of this variant is currently unknown. This sequence change replaces arginine with histidine at codon 536 of the ARMC9 protein (p.Arg536His). The arginine residue is highly conserved and there is a small physicochemical difference between arginine and histidine. This variant is present in population databases (rs747666182, ExAC 0.03%), including at least one homozygous and/or hemizygous individual. This variant has not been reported in the literature in individuals with ARMC9-related conditions. In summary, the available evidence is currently insufficient to determine the role of this variant in disease. Therefore, it has been classified as a Variant of Uncertain Significance.